The following is an entry in ClinVar:

ClinVar aggregate classification (germline): Pathogenic (1 of 4 stars; one submission).

Submission:

Labcorp Genetics (formerly Invitae), Labcorp
Classification: Pathogenic. Last evaluated: 2020-07-28. Review status: criteria provided, single submitter. Criteria: Invitae Variant Classification Sherloc (09022015). Collection method: clinical testing. Allele origin: germline.
Comment: This sequence change creates a premature translational stop signal (p.Ala68Valfs*12) in the HPS3 gene. It is expected to result in an absent or disrupted protein product. The frequency data for this variant in the population databases is considered unreliable, as metrics indicate insufficient coverage at this position in the ExAC database. This variant has not been reported in the literature in individuals with HPS3-related conditions. Loss-of-function variants in HPS3 are known to be pathogenic (PMID: 11590544). For these reasons, this variant has been classified as Pathogenic.

Literature cited by the submitters: PubMed 11590544.

NM_032383.5(HPS3):c.202_203insTGTTA (p.Ala68fs)

Gene: HPS3 (HPS3 biogenesis of lysosomal organelles complex 2 subunit 1; plus strand). Cytogenetic location: 3q24.
Variant type: Insertion.
Coding change: c.202_203insTGTTA on transcript NM_032383.5 (MANE Select); coding-DNA positions 202 to 203, TGTTA inserted.
Protein change: p.Ala68fs; shifts the reading frame from alanine 68.
Molecular consequence: frameshift variant.
Genome position: GRCh38 VCF-style: chr3-149129925-G-GTGTTA. GRCh37 (hg19) VCF-style: chr3-148847712-G-GTGTTA.
Other names: c.202_203insTGTTA, p.Ala68fs (NM_001308258.2); short protein forms A68fs.
Identifiers: ClinVar variation 1070801 (VCV001070801.2), dbSNP rs2108112474, ClinGen allele CA2499216547.